The following is an entry in ClinVar:

ClinVar aggregate classification (germline): Conflicting classifications of pathogenicity. Review status: criteria provided, conflicting classifications (1 of 4 stars). 4 submissions from 4 submitters: Likely pathogenic (1); Uncertain significance (3). Last evaluated 2025-04-09.

Conditions:
TRDN-related disorder. Also called: TRDN-related condition.
Cardiovascular phenotype. Identifiers: MedGen CN230736.
Catecholaminergic polymorphic ventricular tachycardia 1. Also called: VENTRICULAR TACHYCARDIA, STRESS-INDUCED POLYMORPHIC 1; VENTRICULAR TACHYCARDIA, CATECHOLAMINERGIC POLYMORPHIC, 1, WITH OR WITHOUT ATRIAL DYSFUNCTION AND/OR DILATED CARDIOMYOPATHY; RYR2-Related Catecholaminergic Polymorphic Ventricular Tachycardia. Identifiers: Orphanet 3286, MedGen C1631597, MONDO:0011484, OMIM 604772.

Allele frequency attached by ClinVar (database versions not stated): gnomAD exomes below 0.00001 and 0.00001.
gnomAD v4.1: 4 of 1,294,166 alleles (0.00031%); highest among the groups gnomAD compares: Non-Finnish European, 0.00042%; no homozygotes.

Submissions (4):

Molecular Diagnostic Laboratory for Inherited Cardiovascular Disease, Montreal Heart Institute
Classification: Uncertain significance for Cardiovascular phenotype. Last evaluated: 2025-04-09. Review status: criteria provided, single submitter. Criteria: ACMG Guidelines, 2015. Collection method: clinical testing. Allele origin: germline. Affected: yes.
Comment: PVS1_mod, PM2

Blueprint Genetics
Classification: Likely pathogenic for TRDN-related disorders. Last evaluated: 2024-09-08. Review status: criteria provided, single submitter. Criteria: ACMG Guidelines, 2015. Collection method: clinical testing. Allele origin: germline. Affected: yes. Observed: 5 variant alleles.

Women's Health and Genetics/Laboratory Corporation of America, LabCorp
Classification: Uncertain significance. Last evaluated: 2022-09-27. Review status: criteria provided, single submitter. Criteria: LabCorp Variant Classification Summary - May 2015. Collection method: clinical testing. Allele origin: germline.
Comment: Variant summary: TRDN c.1567+2T>C is located in a canonical splice-site and is predicted to affect mRNA splicing resulting in a significantly altered protein due to either exon skipping, shortening, or inclusion of intronic material. 2/4 computational tools predict no significant impact on normal splicing. 2/4 computational tools predicted the variant abolishes the canonical 5'donor site. However, these predictions have yet to be confirmed by functional studies. This variant does not impact the predominant transcript that is expressed in the heart - left ventricle (NM_001256021, ENST00000546248.5; GTEx Transcript Browser) where it results in a variant that is 3' of the gene. The variant allele was found at a frequency of 8.8e-06 in 113280 control chromosomes (gnomAD). To our knowledge, no occurrence of c.1567+2T>C in individuals affected with Catecholaminergic Polymorphic Ventricular Tachycardia and no experimental evidence demonstrating its impact on protein function have been reported. One clinical diagnostic laboratory has submitted clinical-significance assessments for this variant to ClinVar after 2014 and classified the variant as VUS. Based on the evidence outlined above, the variant was classified as uncertain significance.

Labcorp Genetics (formerly Invitae), Labcorp
Classification: Uncertain significance for Catecholaminergic polymorphic ventricular tachycardia 1. Last evaluated: 2020-12-23. Review status: criteria provided, single submitter. Criteria: Invitae Variant Classification Sherloc (09022015). Collection method: clinical testing. Allele origin: germline.
Comment: In summary, the available evidence is currently insufficient to determine the role of this variant in disease. Therefore, it has been classified as a Variant of Uncertain Significance. Algorithms developed to predict the effect of sequence changes on RNA splicing suggest that this variant may disrupt the consensus splice site, but this prediction has not been confirmed by published transcriptional studies. This variant has not been reported in the literature in individuals with TRDN-related conditions. This variant is not present in population databases (ExAC no frequency). This sequence change affects a donor splice site in intron 26 of the TRDN gene. It is expected to disrupt RNA splicing. Variants that disrupt the donor or acceptor splice site typically lead to a loss of protein function (PMID: 16199547). This variant occurs in the long isoform of TRDN, also known as Trisk-95 (PMID: 19403623). The current clinical and genetic evidence is not sufficient to establish whether loss-of-function variants in the long isoform of TRDN cause disease.

Literature cited by the submitters: PubMed 16199547 (cited by Labcorp Genetics (formerly Invitae), Labcorp); PubMed 19403623 (cited by Labcorp Genetics (formerly Invitae), Labcorp).

NM_006073.4(TRDN):c.1567+2T>C

Gene: TRDN (triadin; minus strand). Cytogenetic location: 6q22.31.
Variant type: single nucleotide variant.
Coding change: c.1567+2T>C on transcript NM_006073.4 (MANE Select); the canonical splice donor site of the intron after coding-DNA position 1567, T replaced by C.
Molecular consequence: splice donor variant.
Genome position (GRCh38, 1-based): chr6:123,278,316, A>G on the plus strand (T>C on the coding strand, the complement: TRDN is on the minus strand). VCF-style: chr6-123278316-A-G. GRCh37 (hg19) VCF-style: chr6-123599461-A-G.
Identifiers: ClinVar variation 1066971 (VCV001066971.11), dbSNP rs1384476992, ClinGen allele CA365565488.